The following is an entry in ClinVar:

ClinVar aggregate classification (germline): Uncertain significance (1 of 4 stars; one submission).

Conditions:
Hyperkalemic periodic paralysis. Also called: Familial hyperkalemic periodic paralysis; Gamstorp disease. Identifiers: Orphanet 682, MedGen C0238357, MONDO:0008224, OMIM 170500, HP:0007215.

Submission:

Labcorp Genetics (formerly Invitae), Labcorp
Classification: Uncertain significance for Hyperkalemic periodic paralysis. Last evaluated: 2021-11-15. Review status: criteria provided, single submitter. Criteria: Invitae Variant Classification Sherloc (09022015). Collection method: clinical testing. Allele origin: germline.
Comment: In summary, the available evidence is currently insufficient to determine the role of this variant in disease. Therefore, it has been classified as a Variant of Uncertain Significance. Algorithms developed to predict the effect of missense changes on protein structure and function (SIFT, PolyPhen-2, Align-GVGD) all suggest that this variant is likely to be tolerated. This variant has not been reported in the literature in individuals affected with SCN4A-related conditions. This variant is not present in population databases (gnomAD no frequency). This sequence change replaces alanine, which is neutral and non-polar, with threonine, which is neutral and polar, at codon 1354 of the SCN4A protein (p.Ala1354Thr).

NM_000334.4(SCN4A):c.4060G>A (p.Ala1354Thr)

Genes: GH-LCR (growth hormone locus control region; plus strand), SCN4A (sodium voltage-gated channel alpha subunit 4; minus strand). Cytogenetic location: 17q23.3.
Variant type: single nucleotide variant.
Coding change: c.4060G>A on transcript NM_000334.4 (MANE Select); coding-DNA position 4060, G replaced by A.
Protein change: p.Ala1354Thr; replaces alanine 1354 with threonine.
Molecular consequence: missense variant.
Genome position (GRCh38, 1-based): chr17:63,943,054, C>T on the plus strand (G>A on the coding strand, the complement: SCN4A is on the minus strand). VCF-style: chr17-63943054-C-T. GRCh37 (hg19) VCF-style: chr17-62020414-C-T.
Other names: short protein forms A1354T.
Identifiers: ClinVar variation 1393526 (VCV001393526.6), dbSNP rs2144776414, ClinGen allele CA400616830.